The following is an entry in ClinVar:

ClinVar aggregate classification (germline): Uncertain significance. Review status: criteria provided, multiple submitters, no conflicts (2 of 4 stars). 2 submissions from 2 submitters: Uncertain significance (2). Last evaluated 2026-01-22.

Allele frequency attached by ClinVar (database versions not stated): ExAC 0.00001; gnomAD 0.00001; TOPMed 0.00002; gnomAD exomes 0.00003.
gnomAD v4.1: 41 of 1,610,638 alleles (0.0025%); highest among the groups gnomAD compares: Non-Finnish European, 0.0033%; no homozygotes.

Submissions (2):

Labcorp Genetics (formerly Invitae), Labcorp
Classification: Uncertain significance. Last evaluated: 2026-01-22. Review status: criteria provided, single submitter. Criteria: Invitae Variant Classification Sherloc (09022015). Collection method: clinical testing. Allele origin: germline.
Comment: This sequence change replaces asparagine, which is neutral and polar, with serine, which is neutral and polar, at codon 761 of the IFT88 protein (p.Asn761Ser). This variant is present in population databases (rs764715617, gnomAD 0.002%). This variant has not been reported in the literature in individuals affected with IFT88-related conditions. ClinVar contains an entry for this variant (Variation ID: 2081500). Experimental studies and prediction algorithms are not available or were not evaluated, and the functional significance of this variant is currently unknown. In summary, the available evidence is currently insufficient to determine the role of this variant in disease. Therefore, it has been classified as a Variant of Uncertain Significance.

Ambry Genetics
Classification: Uncertain significance. Last evaluated: 2024-04-16. Review status: criteria provided, single submitter. Criteria: Ambry Variant Classification Scheme 2023. Collection method: clinical testing. Allele origin: germline.

NM_006531.5(IFT88):c.2255A>G (p.Asn752Ser)

Gene: IFT88 (intraflagellar transport 88; plus strand). Cytogenetic location: 13q12.11.
Variant type: single nucleotide variant.
Coding change: c.2255A>G on transcript NM_006531.5 (MANE Select); coding-DNA position 2255, A replaced by G.
Protein change: p.Asn752Ser; replaces asparagine 752 with serine.
Molecular consequence: missense variant. On other transcripts: non-coding transcript variant (4), intron variant (5).
Genome position (GRCh38, 1-based): chr13:20,690,717, A>G. VCF-style: chr13-20690717-A-G. GRCh37 (hg19) VCF-style: chr13-21264856-A-G.
Other names: c.2282A>G (NM_175605.3); c.2198A>G, p.Asn733Ser (NM_001318491.2); c.2282A>G, p.Asn761Ser (NM_001318493.2, NM_001353565.2, NM_001353566.2 and 2 more transcripts); c.2255A>G, p.Asn752Ser (NM_001353568.2); c.2180A>G, p.Asn727Ser (NM_001353569.2, NM_001353570.2); c.2153A>G, p.Asn718Ser (NM_001353571.2); c.2111A>G, p.Asn704Ser (NM_001353573.2); c.2096A>G, p.Asn699Ser (NM_001353574.2); and 5 more; short protein forms N699S, N704S, N727S, N733S, N752S, N541S, N718S, N761S.
Identifiers: ClinVar variation 2081500 (VCV002081500.5), dbSNP rs764715617, ClinGen allele CA6905726.